The following is an entry in ClinVar:

ClinVar aggregate classification (germline): Likely pathogenic (1 of 4 stars; one submission).

Conditions:
Enhanced S-cone syndrome (ESCS). Identifiers: Orphanet 53540, MedGen C1849394, MONDO:0100288, MONDO:0009989.

Submission:

Natera, Inc.
Classification: Likely pathogenic for Enhanced S cone syndrome. Last evaluated: 2024-08-21. Review status: criteria provided, single submitter. Criteria: Natera Variant Classification Schema (03/2026). Collection method: clinical testing. Allele origin: germline.
Comment: The c.995-13_1005del variant in NR2E3 is a deletion affecting a canonical splice acceptor site. This variant is expected to result in nonsense mediated decay, truncation, or a dysfunctional protein product. This variant is rare in the general population with a frequency below the threshold expected for the associated phenotype(s). Given the available evidence, this variant is classified as Likely Pathogenic.

NM_014249.4(NR2E3):c.995-13_1005del

Gene: NR2E3 (nuclear receptor subfamily 2 group E member 3; plus strand). Cytogenetic location: 15q23.
Variant type: Deletion.
Coding change: c.995-13_1005del on transcript NM_014249.4 (MANE Select); 13 bases into the intron before coding-DNA position 995 through coding-DNA position 1005, 24 bases deleted (TGCTTCTCCCCAGAGACGCGGGGC).
Molecular consequence: splice acceptor variant.
Genome position (GRCh38, 1-based): chr15:71,813,999-71,814,022, TGCTTCTCCCCAGAGACGCGGGGC deleted; deleting any 24 consecutive bases within chr15:71,813,997-71,814,022 gives the same sequence; the c. name uses the placement nearest the transcript's 3' end. VCF-style (leftmost placement, unchanged base first): chr15-71813996-TGCTGCTTCTCCCCAGAGACGCGGG-T. GRCh37 (hg19) VCF-style: chr15-72106337-TGCTGCTTCTCCCCAGAGACGCGGG-T.
Other names: c.995-13_1005del (NM_016346.4).
Identifiers: ClinVar variation 4815625 (VCV004815625.1).
Genomic context (GRCh38, chr15:71,813,996, plus strand): 5'-CTGGGCCACCACTTCATGGCCAGCCTTATAACAGCCGTAAACCTGTGCTAAGCTCACTGG[TGCTGCTTCTCCCCAGAGACGCGGG>T]GCCTGAAGGATCCTGAGCACGTAGAGGCCTTGCAGGACCAGTCCCAAGTGATGCTGAGCC-3'